The following is an entry in ClinVar:

ClinVar aggregate classification (germline): Uncertain significance (1 of 4 stars; one submission).

Conditions:
Tuberous sclerosis 2 (TSC2). Identifiers: Orphanet 805, MedGen C1860707, MONDO:0013199, OMIM 613254.

Submission:

Labcorp Genetics (formerly Invitae), Labcorp
Classification: Uncertain significance for Tuberous sclerosis 2. Last evaluated: 2025-03-19. Review status: criteria provided, single submitter. Criteria: Invitae Variant Classification Sherloc (09022015). Collection method: clinical testing. Allele origin: germline.
Comment: This sequence change replaces glutamine, which is neutral and polar, with histidine, which is basic and polar, at codon 1503 of the TSC2 protein (p.Gln1503His). This variant is not present in population databases (gnomAD no frequency). This missense change has been observed in individual(s) with tuberous sclerosis complex (PMID: 17304050, 21520333). ClinVar contains an entry for this variant (Variation ID: 1390361). Invitae Evidence Modeling of protein sequence and biophysical properties (such as structural, functional, and spatial information, amino acid conservation, physicochemical variation, residue mobility, and thermodynamic stability) indicates that this missense variant is not expected to disrupt TSC2 protein function with a negative predictive value of 95%. This variant disrupts the p.Gln1503 amino acid residue in TSC2. Other variant(s) that disrupt this residue have been determined to be pathogenic (PMID: 11403047, 21332470, 22903760). This suggests that this residue is clinically significant, and that variants that disrupt this residue are likely to be disease-causing. In summary, the available evidence is currently insufficient to determine the role of this variant in disease. Therefore, it has been classified as a Variant of Uncertain Significance.

Literature cited by the submitters: PubMed 17304050; PubMed 21520333; PubMed 11403047; PubMed 21332470; PubMed 22903760.

NM_000548.5(TSC2):c.4509G>C (p.Gln1503His)

Gene: TSC2 (TSC complex subunit 2; plus strand). Cytogenetic location: 16p13.3.
Variant type: single nucleotide variant.
Coding change: c.4509G>C on transcript NM_000548.5 (MANE Select); coding-DNA position 4509, G replaced by C.
Protein change: p.Gln1503His; replaces glutamine 1503 with histidine.
Molecular consequence: missense variant.
Genome position (GRCh38, 1-based): chr16:2,084,966, G>C. VCF-style: chr16-2084966-G-C. GRCh37 (hg19) VCF-style: chr16-2134967-G-C.
Other names: c.4308G>C, p.Gln1436His (NM_001077183.3); c.4440G>C, p.Gln1480His (NM_001114382.3); c.4200G>C, p.Gln1400His (NM_001318827.2); c.4164G>C, p.Gln1388His (NM_001318829.2); c.3777G>C, p.Gln1259His (NM_001318831.2); c.4341G>C, p.Gln1447His (NM_001318832.2); c.4311G>C, p.Gln1437His (NM_001363528.2); c.4377G>C, p.Gln1459His (NM_001370404.1); and 1 more; short protein forms Q1259H, Q1388H, Q1447H, Q1459H, Q1460H, Q1480H, Q1503H, Q1400H.
Identifiers: ClinVar variation 1390361 (VCV001390361.6), dbSNP rs45517349, ClinGen allele CA394302743.